The following is an entry in ClinVar:

NM_001206927.2(DNAH8):c.12249-2A>T

Genes: DNAH8 (dynein axonemal heavy chain 8; plus strand), DNAH8-AS1 (DNAH8 antisense RNA 1; minus strand). Cytogenetic location: 6p21.2.
Variant type: single nucleotide variant.
Coding change: c.12249-2A>T on transcript NM_001206927.2 (MANE Select); the canonical splice acceptor site of the intron before coding-DNA position 12249, A replaced by T.
Molecular consequence: splice acceptor variant.
Genome position (GRCh38, 1-based): chr6:38,951,316, A>T. VCF-style: chr6-38951316-A-T. GRCh37 (hg19) VCF-style: chr6-38919092-A-T.
Other names: c.11598-2A>T (NM_001371.4).
Identifiers: ClinVar variation 2827052 (VCV002827052.3), dbSNP rs2533701153, ClinGen allele CA363996453.

ClinVar aggregate classification (germline): Likely pathogenic (1 of 4 stars; one submission).

Conditions:
Primary ciliary dyskinesia. Also called: Ciliary dyskinesia. Identifiers: Orphanet 244, MedGen C0008780, MONDO:0016575, HP:0012265.

Submission:

Labcorp Genetics (formerly Invitae), Labcorp
Classification: Likely pathogenic for Primary ciliary dyskinesia. Last evaluated: 2024-04-15. Review status: criteria provided, single submitter. Criteria: Invitae Variant Classification Sherloc (09022015). Collection method: clinical testing. Allele origin: germline.
Comment: This sequence change affects an acceptor splice site in intron 81 of the DNAH8 gene. It is expected to disrupt RNA splicing. Variants that disrupt the donor or acceptor splice site typically lead to a loss of protein function (PMID: 16199547), and loss-of-function variants in DNAH8 are known to be pathogenic (PMID: 24307375, 32619401, 32681648). This variant is not present in population databases (gnomAD no frequency). This variant has not been reported in the literature in individuals affected with DNAH8-related conditions. Algorithms developed to predict the effect of sequence changes on RNA splicing suggest that this variant may disrupt the consensus splice site. In summary, the currently available evidence indicates that the variant is pathogenic, but additional data are needed to prove that conclusively. Therefore, this variant has been classified as Likely Pathogenic.

Literature cited by the submitters: PubMed 16199547; PubMed 24307375; PubMed 32619401; PubMed 32681648.